The following is an entry in ClinVar:

ClinVar aggregate classification (germline): Conflicting classifications of pathogenicity. Review status: criteria provided, conflicting classifications (1 of 4 stars). 11 submissions from 11 submitters: Uncertain significance (2); Likely benign (6). 3 of the submissions do not count toward it. Last evaluated 2025-06-23.

Conditions:
Hereditary cancer. Identifiers: MedGen C1333600.
Hereditary cancer-predisposing syndrome. Also called: Tumor predisposition; Neoplastic Syndromes, Hereditary; Hereditary neoplastic syndrome; Hereditary Cancer Syndrome. Identifiers: Orphanet 140162, MedGen C0027672, MeSH D009386, MONDO:0015356.
Hereditary breast ovarian cancer syndrome. Also called: Hereditary breast and ovarian cancer; Hereditary breast and ovarian cancer syndrome (HBOC); Hereditary breast and/or ovarian cancer syndrome; Breast and ovarian cancer; Hereditary breast and ovarian cancer syndrome; BRCA1- and BRCA2-Associated Hereditary Breast and Ovarian Cancer. Identifiers: Orphanet 145, MedGen C0677776, MeSH D061325, MONDO:0003582. Disease mechanism: loss of function.
Breast-ovarian cancer, familial, susceptibility to, 2 (BROVCA2). Also called: BRCA2 Hereditary Breast and Ovarian Cancer. Identifiers: Orphanet 145, MedGen C2675520, MONDO:0012933, OMIM 612555. Disease mechanism: loss of function.
Malignant tumor of breast. Also called: Malignant breast neoplasm; Cancer breast. Identifiers: MedGen C0006142, MONDO:0007254. Disease mechanism: loss of function.

Allele frequency attached by ClinVar (database versions not stated): gnomAD exomes below 0.00001.

Submissions (11):

Mendelics
Classification: Likely benign for Hereditary cancer. Last evaluated: 2025-06-23. Review status: criteria provided, single submitter. Criteria: ACMG Guidelines, 2015. Collection method: clinical testing. Allele origin: unknown.
Comment: This variant is considered likely benign or benign based on one or more of the following: it is predicted to be benign by multiple in silico algorithms, and/or has population frequency not consistent with disease, and/or has normal protein function, and/or has lack of segregation with disease, and/or has been detected in co-occurrence with known pathogenic variant, and/or has lack of disease association in case-control studies, and/or is located in a region inconsistent with a known cause of pathogenicity.

Labcorp Genetics (formerly Invitae), Labcorp
Classification: Likely benign for Hereditary breast ovarian cancer syndrome. Last evaluated: 2025-04-20. Review status: criteria provided, single submitter. Criteria: Invitae Variant Classification Sherloc (09022015). Collection method: clinical testing. Allele origin: germline.

Women's Health and Genetics/Laboratory Corporation of America, LabCorp
Classification: Likely benign. Last evaluated: 2025-04-17. Review status: criteria provided, single submitter. Criteria: LabCorp Variant Classification Summary - May 2015. Collection method: clinical testing. Allele origin: germline.
Comment: Variant summary: BRCA2 c.8633-4T>A alters a non-conserved nucleotide located at a position not widely known to affect splicing. Consensus agreement among computation tools predict no significant impact on normal splicing. However, these predictions have yet to be confirmed by functional studies. The variant allele was found at a frequency of 4e-06 in 251110 control chromosomes. The available data on variant occurrences in the general population are insufficient to allow any conclusion about variant significance. c.8633-4T>A has been reported in the literature in individuals taking BRCA1/BRCA2 or multiple cancer gene screenings without strong evidence for causality (examples, Lincoln_2015, Caux-Moncoutier_2011). These report(s) do not provide unequivocal conclusions about association of the variant with Hereditary Breast And Ovarian Cancer Syndrome. To our knowledge, no experimental evidence demonstrating an impact on protein function has been reported. The following publications have been ascertained in the context of this evaluation (PMID: 21120943, 26207792). ClinVar contains an entry for this variant (Variation ID: 38173). Based on the evidence outlined above, the variant was classified as likely benign.

Quest Diagnostics Nichols Institute San Juan Capistrano
Classification: Uncertain significance. Last evaluated: 2024-06-27. Review status: criteria provided, single submitter. Criteria: Quest Diagnostics criteria. Collection method: clinical testing. Allele origin: unknown.
Comment: The BRCA2 c.8633-4T>A variant has been reported in the published literature in individuals with a personal and/or family history of breast and/or ovarian cancer who underwent multi-gene panel testing (PMID: 21120943 (2011), and 26207792 (2015)). The frequency of this variant in the general population, 0.000004 (1/251110 chromosomes (Genome Aggregation Database)), is uninformative in the assessment of its pathogenicity. Analysis of this variant using software algorithms for the prediction of the effect of nucleotide changes on splicing yielded predictions that this variant does not affect BRCA2 mRNA splicing. Based on the available information, we are unable to determine the clinical significance of this variant.

Color Diagnostics, LLC DBA Color Health
Classification: Likely benign for Hereditary cancer-predisposing syndrome. Last evaluated: 2023-12-28. Review status: criteria provided, single submitter. Criteria: ACMG Guidelines, 2015. Collection method: clinical testing. Allele origin: germline.

Ambry Genetics
Classification: Likely benign for Hereditary cancer-predisposing syndrome. Last evaluated: 2021-11-05. Review status: criteria provided, single submitter. Criteria: Ambry Variant Classification Scheme 2023. Collection method: clinical testing. Allele origin: germline.

Institute for Clinical Genetics, University Hospital TU Dresden, University Hospital TU Dresden
Classification: Uncertain significance. Last evaluated: 2021-11-03. Review status: criteria provided, single submitter. Criteria: ACMG Guidelines, 2015. Collection method: clinical testing. Allele origin: germline.

GeneDx
Classification: Likely benign. Last evaluated: 2015-10-27. Review status: criteria provided, single submitter. Criteria: GeneDx Variant Classification (06012015). Collection method: clinical testing. Allele origin: germline. Affected: yes.
Comment: This variant is considered likely benign or benign based on one or more of the following criteria: it is a conservative change, it occurs at a poorly conserved position in the protein, it is predicted to be benign by multiple in silico algorithms, and/or has population frequency not consistent with disease.

Counsyl
Classification: Uncertain significance for Breast-ovarian cancer, familial, susceptibility to, 2. Last evaluated: 2017-12-18. Review status: no assertion criteria provided. Collection method: clinical testing. Allele origin: unknown. Not counted in ClinVar's aggregate classification.

Sharing Clinical Reports Project (SCRP)
Classification: Uncertain significance for Breast-ovarian cancer, familial 2. Last evaluated: 2011-03-21. Review status: no assertion criteria provided. Collection method: clinical testing. Allele origin: germline. Not counted in ClinVar's aggregate classification.

Department of Pathology and Laboratory Medicine, Sinai Health System
Classification: Uncertain significance for Malignant tumor of breast. Review status: no assertion criteria provided. Collection method: clinical testing. Allele origin: unknown. Affected: yes. Study: The Canadian Open Genetics Repository (COGR). Not counted in ClinVar's aggregate classification.
Comment: The c.8633-4T>A variant was identified in the literature in at least one proband with hereditary breast or ovarian cancer (Caux-Moncoutier 2011), and was listed once in UMD as an unclassified variant. The variant is located in the 3' splice region of BRCA2 intron 20 but does not affect the highly conserved -1 and -2 positions.Â¬â€ Â¬â€ Positions -3 and -5 to -12 are also part of the splicing consensus sequence and variants involving these positions sometimes affect splicing; however, this variant is located at position -4 which is outside of the splicing consensus sequence and where the nucleotide present may vary. In addition, three in silico or computational prediction software programs (MaxEntScan, NNSPLICE, HumanSpliceFinder) do not predict a difference in splicing; however, this information is not predictive enough to rule out pathogenicity. In summary, based on the above information, the clinical significance of this variant cannot be determined with certainty at this time. This variant is classified as a variant of unknown significance.

Literature cited by the submitters: PubMed 21120943 (cited by 3 submitters); PubMed 26207792 (cited by 3 submitters).

NM_000059.4(BRCA2):c.8633-4T>A

Gene: BRCA2 (BRCA2 DNA repair associated; plus strand). Cytogenetic location: 13q13.1.
Variant type: single nucleotide variant.
Coding change: c.8633-4T>A on transcript NM_000059.4 (MANE Select); 4 bases into the intron before coding-DNA position 8633, T replaced by A.
Molecular consequence: intron variant.
Genome position (GRCh38, 1-based): chr13:32,376,666, T>A. VCF-style: chr13-32376666-T-A. GRCh37 (hg19) VCF-style: chr13-32950803-T-A.
Other names: IVS20-4T>A.
Identifiers: ClinVar variation 38173 (VCV000038173.31), dbSNP rs397507407, ClinGen allele CA025751.